The following is an entry in ClinVar:

ClinVar aggregate classification (germline): Conflicting classifications of pathogenicity. Review status: criteria provided, conflicting classifications (1 of 4 stars). 2 submissions from 2 submitters: Uncertain significance (1); Likely benign (1). Last evaluated 2024-07-30.

Conditions:
Schuurs-Hoeijmakers syndrome. Also called: PACS1-Related Neurodevelopmental Disorder. Identifiers: Orphanet 329224, MedGen C3554343, MONDO:0014006, OMIM 615009.
Inborn genetic diseases. Identifiers: MedGen C0950123, MeSH D030342.

Allele frequency attached by ClinVar (database versions not stated): gnomAD exomes 0.00003; gnomAD 0.00004; TOPMed 0.00003; ExAC 0.00002.
gnomAD v4.1: 44 of 1,613,842 alleles (0.0027%); highest among the groups gnomAD compares: Middle Eastern, 0.016%; no homozygotes.

Submissions (2):

Ambry Genetics
Classification: Likely benign for Inborn genetic diseases. Last evaluated: 2024-07-30. Review status: criteria provided, single submitter. Criteria: Ambry Variant Classification Scheme 2023. Collection method: clinical testing. Allele origin: germline.

Labcorp Genetics (formerly Invitae), Labcorp
Classification: Uncertain significance for Schuurs-Hoeijmakers syndrome. Last evaluated: 2023-12-21. Review status: criteria provided, single submitter. Criteria: Invitae Variant Classification Sherloc (09022015). Collection method: clinical testing. Allele origin: germline.
Comment: This sequence change replaces asparagine, which is neutral and polar, with serine, which is neutral and polar, at codon 237 of the PACS1 protein (p.Asn237Ser). This variant is present in population databases (rs751491596, gnomAD 0.002%). This variant has not been reported in the literature in individuals affected with PACS1-related conditions. Advanced modeling of protein sequence and biophysical properties (such as structural, functional, and spatial information, amino acid conservation, physicochemical variation, residue mobility, and thermodynamic stability) performed at Invitae indicates that this missense variant is not expected to disrupt PACS1 protein function with a negative predictive value of 80%. In summary, the available evidence is currently insufficient to determine the role of this variant in disease. Therefore, it has been classified as a Variant of Uncertain Significance.

NM_018026.4(PACS1):c.710A>G (p.Asn237Ser)

Gene: PACS1 (phosphofurin acidic cluster sorting protein 1; plus strand). Cytogenetic location: 11q13.2.
Variant type: single nucleotide variant.
Coding change: c.710A>G on transcript NM_018026.4 (MANE Select); coding-DNA position 710, A replaced by G.
Protein change: p.Asn237Ser; replaces asparagine 237 with serine.
Molecular consequence: missense variant.
Genome position (GRCh38, 1-based): chr11:66,216,168, A>G. VCF-style: chr11-66216168-A-G. GRCh37 (hg19) VCF-style: chr11-65983639-A-G.
Other names: c.710A>G (NM_018026.2); short protein forms N237S.
Identifiers: ClinVar variation 2890737 (VCV002890737.4), dbSNP rs751491596, ClinGen allele CA6116323.